The following is an entry in ClinVar:

ClinVar aggregate classification (germline): Uncertain significance (1 of 4 stars; one submission).

Conditions:
Familial adenomatous polyposis 1 (FAP1). Also called: FAMILIAL ADENOMATOUS POLYPOSIS 1, ATTENUATED; POLYPOSIS, ADENOMATOUS INTESTINAL. Identifiers: MedGen C2713442, MONDO:0021056, OMIM 175100. Disease mechanism: loss of function.

Submission:

Labcorp Genetics (formerly Invitae), Labcorp
Classification: Uncertain significance for Familial adenomatous polyposis 1. Last evaluated: 2025-01-29. Review status: criteria provided, single submitter. Criteria: Invitae Variant Classification Sherloc (09022015). Collection method: clinical testing. Allele origin: germline.
Comment: This variant occurs in a non-coding region of the APC gene. It does not change the encoded amino acid sequence of the APC protein. This variant is not present in population databases (gnomAD no frequency). This variant has not been reported in the literature in individuals affected with APC-related conditions. Experimental studies and prediction algorithms are not available or were not evaluated, and the functional significance of this variant is currently unknown. In summary, the available evidence is currently insufficient to determine the role of this variant in disease. Therefore, it has been classified as a Variant of Uncertain Significance.

NM_001127511.3(APC):c.-158G>T

Gene: APC (APC regulator of Wnt signaling pathway; plus strand). Cytogenetic location: 5q22.2.
Variant type: single nucleotide variant.
Coding change: c.-158G>T on transcript NM_001127511.3; 158 bases upstream of the start codon, G replaced by T.
Molecular consequence: 5 prime UTR variant. On other transcripts: non-coding transcript variant (2).
Genome position (GRCh38, 1-based): chr5:112,707,560, G>T. VCF-style: chr5-112707560-G-T. GRCh37 (hg19) VCF-style: chr5-112043257-G-T.
Other names: c.-341G>T (NM_001354895.2, NM_001407447.1, NM_001407452.1 and 3 more transcripts); c.-158G>T (NM_001354897.2, NM_001354902.2, NM_001407446.1); c.-108G>T (NM_001407448.1, NM_001407450.1, NM_001407457.1 and 1 more transcripts); c.-132G>T (NM_001407453.1); c.-1376G>T (NM_001407470.1, NM_001407472.1).
Identifiers: ClinVar variation 3729753 (VCV003729753.2).
Genomic context (GRCh38, chr5:112,707,560, plus strand): 5'-ATTGTAGTCTTCCCACCTCCCACAAGATGGCGGAGGGCAAGTAGCAAGGGGGCGGGGTGT[G>T]GCCGCCGGAAGCCTAGCCGCTGCTCGGGGGGGACCTGCGGGCTCAGGCCCGGGAGCTGCG-3'